The following is an entry in ClinVar:

ClinVar aggregate classification (germline): Uncertain significance (1 of 4 stars; one submission).

Conditions:
Hereditary spastic paraplegia 39 (SPG39). Also called: Spastic Paraplegia Type 39 (SPG39); SPASTIC PARAPLEGIA 39, AUTOSOMAL RECESSIVE. Identifiers: Orphanet 139480, MedGen C2677586, MONDO:0012787, OMIM 612020.

Submission:

Labcorp Genetics (formerly Invitae), Labcorp
Classification: Uncertain significance for Hereditary spastic paraplegia 39. Last evaluated: 2022-11-22. Review status: criteria provided, single submitter. Criteria: Invitae Variant Classification Sherloc (09022015). Collection method: clinical testing. Allele origin: germline.
Comment: This sequence change replaces leucine, which is neutral and non-polar, with glutamine, which is neutral and polar, at codon 248 of the PNPLA6 protein (p.Leu248Gln). This variant is not present in population databases (gnomAD no frequency). In summary, the available evidence is currently insufficient to determine the role of this variant in disease. Therefore, it has been classified as a Variant of Uncertain Significance. Advanced modeling of protein sequence and biophysical properties (such as structural, functional, and spatial information, amino acid conservation, physicochemical variation, residue mobility, and thermodynamic stability) performed at Invitae indicates that this missense variant is expected to disrupt PNPLA6 protein function. This variant has not been reported in the literature in individuals affected with PNPLA6-related conditions.

NM_001166114.2(PNPLA6):c.860T>A (p.Leu287Gln)

Gene: PNPLA6 (patatin like domain 6, lysophospholipase; plus strand). Cytogenetic location: 19p13.2.
Variant type: single nucleotide variant.
Coding change: c.860T>A on transcript NM_001166114.2 (MANE Select); coding-DNA position 860, T replaced by A.
Protein change: p.Leu287Gln; replaces leucine 287 with glutamine.
Molecular consequence: missense variant.
Genome position (GRCh38, 1-based): chr19:7,540,987, T>A. VCF-style: chr19-7540987-T-A. GRCh37 (hg19) VCF-style: chr19-7605873-T-A.
Other names: c.887T>A, p.Leu296Gln (NM_001166111.2); c.743T>A, p.Leu248Gln (NM_001166112.2, NM_001166113.1, NM_006702.5); short protein forms L296Q, L287Q, L248Q.
Identifiers: ClinVar variation 2158824 (VCV002158824.4), dbSNP rs2512500852, ClinGen allele CA403106495.